The following is an entry in ClinVar:

ClinVar aggregate classification (germline): Benign/Likely benign. Review status: criteria provided, multiple submitters, no conflicts (2 of 4 stars). 3 submissions from 3 submitters: Benign (1); Likely benign (2). Last evaluated 2024-08-31.

Conditions:
Hereditary cancer-predisposing syndrome. Also called: Neoplastic Syndromes, Hereditary; Hereditary Cancer Syndrome; Tumor predisposition; Hereditary neoplastic syndrome. Identifiers: Orphanet 140162, MedGen C0027672, MeSH D009386, MONDO:0015356.
Familial cancer of breast. Also called: BREAST CANCER, FAMILIAL; hereditary breast carcinoma; Hereditary breast cancer. Identifiers: Orphanet 227535, MedGen C0346153, MONDO:0016419, OMIM 114480. Disease mechanism: loss of function.

Submissions (3):

Labcorp Genetics (formerly Invitae), Labcorp
Classification: Likely benign for Familial cancer of breast. Last evaluated: 2024-08-31. Review status: criteria provided, single submitter. Criteria: Invitae Variant Classification Sherloc (09022015). Collection method: clinical testing. Allele origin: germline.

Myriad Genetics, Inc.
Classification: Benign for Familial cancer of breast. Last evaluated: 2024-07-29. Review status: criteria provided, single submitter. Criteria: Myriad Autosomal Dominant, Autosomal Recessive and X-Linked Classification Criteria (2023). Collection method: clinical testing. Allele origin: unknown.
Comment: This variant is considered benign. This variant is a silent/synonymous amino acid change and it is not expected to impact splicing.

Ambry Genetics
Classification: Likely benign for Hereditary cancer-predisposing syndrome. Last evaluated: 2022-05-28. Review status: criteria provided, single submitter. Criteria: Ambry Variant Classification Scheme 2023. Collection method: clinical testing. Allele origin: germline.

NM_000465.4(BARD1):c.1995A>G (p.Glu665=)

Gene: BARD1 (BRCA1 associated RING domain 1; minus strand). Cytogenetic location: 2q35.
Variant type: single nucleotide variant.
Coding change: c.1995A>G on transcript NM_000465.4 (MANE Select); coding-DNA position 1995, A replaced by G.
Protein change: p.Glu665=; no amino-acid change (glutamic acid 665 retained).
Molecular consequence: synonymous variant. On other transcripts: non-coding transcript variant (3).
Genome position (GRCh38, 1-based): chr2:214,730,417, T>C on the plus strand (A>G on the coding strand, the complement: BARD1 is on the minus strand). VCF-style: chr2-214730417-T-C. GRCh37 (hg19) VCF-style: chr2-215595141-T-C.
Other names: c.1938A>G, p.Glu646= (NM_001282543.2); c.642A>G, p.Glu214= (NM_001282545.2); c.585A>G, p.Glu195= (NM_001282548.2); c.456A>G, p.Glu152= (NM_001282549.2).
Identifiers: ClinVar variation 1552440 (VCV001552440.12), dbSNP rs2105990404, ClinGen allele CA431139034.